The following is an entry in ClinVar:

NM_005612.5(REST):c.2503C>A (p.Gln835Lys)

Gene: REST (RE1 silencing transcription factor; plus strand). Cytogenetic location: 4q12.
Variant type: single nucleotide variant.
Coding change: c.2503C>A on transcript NM_005612.5 (MANE Select); coding-DNA position 2503, C replaced by A.
Protein change: p.Gln835Lys; replaces glutamine 835 with lysine.
Molecular consequence: missense variant.
Genome position (GRCh38, 1-based): chr4:56,931,361, C>A. VCF-style: chr4-56931361-C-A. GRCh37 (hg19) VCF-style: chr4-57797527-C-A.
Other names: c.2503C>A, p.Gln835Lys (NM_001193508.2, NM_001363453.3); short protein forms Q835K.
Identifiers: ClinVar variation 1481643 (VCV001481643.6), dbSNP rs1455309474, ClinGen allele CA357008925.

ClinVar aggregate classification (germline): Uncertain significance (1 of 4 stars; one submission).

Allele frequency attached by ClinVar (database versions not stated): gnomAD exomes 0.00001.
gnomAD v4.1: 3 of 1,614,240 alleles (0.00019%); highest among the groups gnomAD compares: Admixed American, 0.005%; no homozygotes.

Submission:

Labcorp Genetics (formerly Invitae), Labcorp
Classification: Uncertain significance. Last evaluated: 2021-10-08. Review status: criteria provided, single submitter. Criteria: Invitae Variant Classification Sherloc (09022015). Collection method: clinical testing. Allele origin: germline.
Comment: Algorithms developed to predict the effect of missense changes on protein structure and function are either unavailable or do not agree on the potential impact of this missense change (SIFT: "Deleterious"; PolyPhen-2: "Probably Damaging"; Align-GVGD: "Class C0"). In summary, the available evidence is currently insufficient to determine the role of this variant in disease. Therefore, it has been classified as a Variant of Uncertain Significance. This sequence change replaces glutamine with lysine at codon 835 of the REST protein (p.Gln835Lys). The glutamine residue is highly conserved and there is a small physicochemical difference between glutamine and lysine. This variant is not present in population databases (ExAC no frequency). This variant has not been reported in the literature in individuals affected with REST-related conditions.